The following is an entry in ClinVar:

ClinVar aggregate classification (germline): Pathogenic (1 of 4 stars; one submission).

Submission:

Labcorp Genetics (formerly Invitae), Labcorp
Classification: Pathogenic. Last evaluated: 2023-04-28. Review status: criteria provided, single submitter. Criteria: Invitae Variant Classification Sherloc (09022015). Collection method: clinical testing. Allele origin: germline.
Comment: For these reasons, this variant has been classified as Pathogenic. This variant disrupts a region of the FZD4 protein in which other variant(s) (p.Gln505*) have been determined to be pathogenic (PMID: 15223780, 23077402). This suggests that this is a clinically significant region of the protein, and that variants that disrupt it are likely to be disease-causing. This variant has not been reported in the literature in individuals affected with FZD4-related conditions. This variant is not present in population databases (gnomAD no frequency). This sequence change creates a premature translational stop signal (p.Ile232Hisfs*16) in the FZD4 gene. While this is not anticipated to result in nonsense mediated decay, it is expected to disrupt the last 306 amino acid(s) of the FZD4 protein.

Literature cited by the submitters: PubMed 15223780; PubMed 23077402.

NM_012193.4(FZD4):c.692dup (p.Ile232fs)

Genes: FZD4 (frizzled class receptor 4; minus strand), PRSS23 (serine protease 23; plus strand). Cytogenetic location: 11q14.2.
Variant type: Duplication.
Coding change: c.692dup on transcript NM_012193.4 (MANE Select); coding-DNA position 692, one base duplicated (T; older notation c.692dupT).
Protein change: p.Ile232fs; shifts the reading frame from isoleucine 232.
Molecular consequence: frameshift variant. On other transcripts: non-coding transcript variant (2).
Genome position (GRCh38, 1-based): chr11:86,952,064, A duplicated on the plus strand (T on the coding strand, the reverse complement: FZD4 is on the minus strand); the first of 3 consecutive A bases (chr11:86,952,064-86,952,066); duplicating any one gives the same sequence. VCF-style (leftmost placement, unchanged base first): chr11-86952063-G-GA. GRCh37 (hg19) VCF-style: chr11-86663105-G-GA.
Other names: short protein forms I232fs.
Identifiers: ClinVar variation 2860453 (VCV002860453.3), dbSNP rs2495867978, ClinGen allele CA2739270726.
Genomic context (GRCh38, chr11:86,952,063, plus strand): 5'-AGGGTAGGAAAACCTAGAAGAATCGATCAGGAAGGTCAGTACTGTGAAGGCAGTGGAGAT[G>GA]AAACACAGGCTGGCCCACACAGCCATCCAGATATCAGTGAACTCCTTGGCTGAGCGGCTG-3'